The following is an entry in ClinVar:

ClinVar aggregate classification (germline): Conflicting classifications of pathogenicity. Review status: criteria provided, conflicting classifications (1 of 4 stars). 2 submissions from 2 submitters: Likely pathogenic (1); Uncertain significance (1). Last evaluated 2024-10-28.

Submissions (2):

Blueprint Genetics
Classification: Uncertain significance. Last evaluated: 2024-10-28. Review status: criteria provided, single submitter. Criteria: ACMG Guidelines, 2015. Collection method: clinical testing. Allele origin: germline.

Labcorp Genetics (formerly Invitae), Labcorp
Classification: Likely pathogenic. Last evaluated: 2023-11-16. Review status: criteria provided, single submitter. Criteria: Invitae Variant Classification Sherloc (09022015). Collection method: clinical testing. Allele origin: germline.
Comment: This sequence change affects codon 1852 of the FREM1 mRNA. It is a 'silent' change, meaning that it does not change the encoded amino acid sequence of the FREM1 protein. It affects a nucleotide within the consensus splice site. This variant is not present in population databases (gnomAD no frequency). This variant has been observed in individual(s) with oculotrichoanal syndrome (PMID: 21507892). It has also been observed to segregate with disease in related individuals. Algorithms developed to predict the effect of sequence changes on RNA splicing suggest that this variant may disrupt the consensus splice site. In summary, the currently available evidence indicates that the variant is pathogenic, but additional data are needed to prove that conclusively. Therefore, this variant has been classified as Likely Pathogenic.

Literature cited by the submitters: PubMed 21507892 (cited by Labcorp Genetics (formerly Invitae), Labcorp).

NM_001379081.2(FREM1):c.5556A>G (p.Gly1852=)

Gene: FREM1 (FRAS1 related extracellular matrix 1; minus strand). Cytogenetic location: 9p22.3.
Variant type: single nucleotide variant.
Coding change: c.5556A>G on transcript NM_001379081.2 (MANE Select); coding-DNA position 5556, A replaced by G.
Protein change: p.Gly1852=; no amino-acid change (glycine 1852 retained).
Molecular consequence: synonymous variant. On other transcripts: non-coding transcript variant (2), intron variant (1).
Genome position (GRCh38, 1-based): chr9:14,750,128, T>C on the plus strand (A>G on the coding strand, the complement: FREM1 is on the minus strand). VCF-style: chr9-14750128-T-C. GRCh37 (hg19) VCF-style: chr9-14750126-T-C.
Other names: c.1164A>G, p.Gly388= (NM_001177704.3, NM_001370061.2); c.5556A>G, p.Gly1852= (NM_144966.7); c.1016-1489A>G (NM_001370058.2).
Identifiers: ClinVar variation 2993794 (VCV002993794.4), dbSNP rs2539237550, ClinGen allele CA463875663.